The following is an entry in ClinVar:

ClinVar aggregate classification (germline): Uncertain significance. Review status: criteria provided, multiple submitters, no conflicts (2 of 4 stars). 2 submissions from 2 submitters: Uncertain significance (2). Last evaluated 2023-12-18.

Conditions:
Inborn genetic diseases. Identifiers: MedGen C0950123, MeSH D030342.

Allele frequency attached by ClinVar (database versions not stated): gnomAD exomes 0.00002 and 0.00006; gnomAD 0.00004 and 0.00005; ExAC 0.00006; ESP Exome Variant Server 0.00008; TOPMed 0.00010.
gnomAD v4.1: 33 of 1,613,922 alleles (0.002%); highest among the groups gnomAD compares: East Asian, 0.016%; no homozygotes.

Submissions (2):

Labcorp Genetics (formerly Invitae), Labcorp
Classification: Uncertain significance. Last evaluated: 2023-12-18. Review status: criteria provided, single submitter. Criteria: Invitae Variant Classification Sherloc (09022015). Collection method: clinical testing. Allele origin: germline.
Comment: This sequence change replaces arginine, which is basic and polar, with histidine, which is basic and polar, at codon 1334 of the NBAS protein (p.Arg1334His). This variant is present in population databases (rs140188229, gnomAD 0.02%). This variant has not been reported in the literature in individuals affected with NBAS-related conditions. ClinVar contains an entry for this variant (Variation ID: 1416820). Advanced modeling of protein sequence and biophysical properties (such as structural, functional, and spatial information, amino acid conservation, physicochemical variation, residue mobility, and thermodynamic stability) performed at Invitae indicates that this missense variant is not expected to disrupt NBAS protein function with a negative predictive value of 80%. In summary, the available evidence is currently insufficient to determine the role of this variant in disease. Therefore, it has been classified as a Variant of Uncertain Significance.

Ambry Genetics
Classification: Uncertain significance for Inborn genetic diseases. Last evaluated: 2021-10-12. Review status: criteria provided, single submitter. Criteria: Ambry Variant Classification Scheme 2023. Collection method: clinical testing. Allele origin: germline.

NM_015909.4(NBAS):c.4001G>A (p.Arg1334His)

Gene: NBAS (NBAS subunit of NRZ tethering complex; minus strand). Cytogenetic location: 2p24.3.
Variant type: single nucleotide variant.
Coding change: c.4001G>A on transcript NM_015909.4 (MANE Select); coding-DNA position 4001, G replaced by A.
Protein change: p.Arg1334His; replaces arginine 1334 with histidine.
Molecular consequence: missense variant. On other transcripts: non-coding transcript variant (1).
Genome position (GRCh38, 1-based): chr2:15,353,641, C>T on the plus strand (G>A on the coding strand, the complement: NBAS is on the minus strand). VCF-style: chr2-15353641-C-T. GRCh37 (hg19) VCF-style: chr2-15493765-C-T.
Other names: c.4001G>A (NM_015909.2); short protein forms R1334H.
Identifiers: ClinVar variation 1416820 (VCV001416820.6), dbSNP rs140188229, ClinGen allele CA1535821.